The following is an entry in ClinVar:

ClinVar aggregate classification (germline): Uncertain significance (1 of 4 stars; one submission).

Submission:

Ambry Genetics
Classification: Uncertain significance. Last evaluated: 2025-08-22. Review status: criteria provided, single submitter. Criteria: Ambry Variant Classification Scheme 2023. Collection method: clinical testing. Allele origin: germline.
Comment: The p.G98S variant (also known as c.292G>A), located in coding exon 5 of the FAM175A gene, results from a G to A substitution at nucleotide position 292. The glycine at codon 98 is replaced by serine, an amino acid with similar properties. This amino acid position is conserved. In addition, this alteration is predicted to be deleterious by in silico analysis. Based on the available evidence, the clinical significance of this variant remains unclear.

NM_139076.3(ABRAXAS1):c.292G>A (p.Gly98Ser)

Gene: ABRAXAS1 (abraxas 1, BRCA1 A complex subunit; minus strand). Cytogenetic location: 4q21.23.
Variant type: single nucleotide variant.
Coding change: c.292G>A on transcript NM_139076.3 (MANE Select); coding-DNA position 292, G replaced by A.
Protein change: p.Gly98Ser; replaces glycine 98 with serine.
Molecular consequence: missense variant. On other transcripts: 5 prime UTR variant (1).
Genome position (GRCh38, 1-based): chr4:83,470,387, C>T on the plus strand (G>A on the coding strand, the complement: ABRAXAS1 is on the minus strand). VCF-style: chr4-83470387-C-T. GRCh37 (hg19) VCF-style: chr4-84391540-C-T.
Other names: c.-36G>A (NM_001345962.2); short protein forms G98S.
Identifiers: ClinVar variation 4183702 (VCV004183702.1).